The following is an entry in ClinVar:

ClinVar aggregate classification (germline): Uncertain significance (1 of 4 stars; one submission).

Allele frequency attached by ClinVar (database versions not stated): gnomAD exomes below 0.00001.
gnomAD v4.1: 4 of 1,551,440 alleles (0.00026%); highest among the groups gnomAD compares: Middle Eastern, 0.017%; no homozygotes.

Submission:

Labcorp Genetics (formerly Invitae), Labcorp
Classification: Uncertain significance. Last evaluated: 2023-11-20. Review status: criteria provided, single submitter. Criteria: Invitae Variant Classification Sherloc (09022015). Collection method: clinical testing. Allele origin: germline.
Comment: This sequence change replaces serine, which is neutral and polar, with leucine, which is neutral and non-polar, at codon 1785 of the EYS protein (p.Ser1785Leu). This variant is not present in population databases (gnomAD no frequency). This variant has not been reported in the literature in individuals affected with EYS-related conditions. ClinVar contains an entry for this variant (Variation ID: 1347759). Advanced modeling of protein sequence and biophysical properties (such as structural, functional, and spatial information, amino acid conservation, physicochemical variation, residue mobility, and thermodynamic stability) has been performed at Invitae for this missense variant, however the output from this modeling did not meet the statistical confidence thresholds required to predict the impact of this variant on EYS protein function. In summary, the available evidence is currently insufficient to determine the role of this variant in disease. Therefore, it has been classified as a Variant of Uncertain Significance.

NM_001142800.2(EYS):c.5354C>T (p.Ser1785Leu)

Gene: EYS (EGF-like photoreceptor maintenance factor; minus strand). Cytogenetic location: 6q12.
Variant type: single nucleotide variant.
Coding change: c.5354C>T on transcript NM_001142800.2 (MANE Select); coding-DNA position 5354, C replaced by T.
Protein change: p.Ser1785Leu; replaces serine 1785 with leucine.
Molecular consequence: missense variant.
Genome position (GRCh38, 1-based): chr6:64,590,513, G>A on the plus strand (C>T on the coding strand, the complement: EYS is on the minus strand). VCF-style: chr6-64590513-G-A. GRCh37 (hg19) VCF-style: chr6-65300406-G-A.
Other names: c.5354C>T, p.Ser1785Leu (NM_001292009.2); short protein forms S1785L.
Identifiers: ClinVar variation 1347759 (VCV001347759.8), dbSNP rs1053044454, ClinGen allele CA140340881.